The following is an entry in ClinVar:

ClinVar aggregate classification (germline): Uncertain significance. Review status: criteria provided, multiple submitters, no conflicts (2 of 4 stars). 2 submissions from 2 submitters: Uncertain significance (2). Last evaluated 2024-05-11.

Conditions:
Idiopathic generalized epilepsy. Also called: Generalised epilepsy; EIG. Identifiers: MedGen C0270850, MONDO:0005579, OMIM 600669.
Hyperaldosteronism, familial, type IV (HALD4). Also called: FH IV; ALDOSTERONISM, PRIMARY, AND HYPERTENSION. Identifiers: Orphanet 642671, MedGen C4310756, MONDO:0014875, OMIM 617027.
Epilepsy, childhood absence, susceptibility to, 6. Identifiers: Orphanet 64280, MedGen C2749872, MONDO:0012763, OMIM 611942.

Allele frequency attached by ClinVar (database versions not stated): TOPMed 0.00002; 1000 Genomes Project 30x 0.00016; 1000 Genomes Project 0.00020.
gnomAD v4.1: 92 of 1,611,996 alleles (0.0057%); highest among the groups gnomAD compares: South Asian, 0.022%; no homozygotes.

Submissions (2):

Fulgent Genetics
Classification: Uncertain significance for Epilepsy, childhood absence, susceptibility to, 6; Hyperaldosteronism, familial, type IV. Last evaluated: 2024-05-11. Review status: criteria provided, single submitter. Criteria: ACMG Guidelines, 2015. Collection method: clinical testing. Allele origin: germline.

Labcorp Genetics (formerly Invitae), Labcorp
Classification: Uncertain significance for Idiopathic generalized epilepsy; Hyperaldosteronism, familial, type IV. Last evaluated: 2021-01-14. Review status: criteria provided, single submitter. Criteria: Invitae Variant Classification Sherloc (09022015). Collection method: clinical testing. Allele origin: germline.
Comment: In summary, the available evidence is currently insufficient to determine the role of this variant in disease. Therefore, it has been classified as a Variant of Uncertain Significance. Algorithms developed to predict the effect of sequence changes on RNA splicing suggest that this variant may create or strengthen a splice site, but this prediction has not been confirmed by published transcriptional studies. Algorithms developed to predict the effect of missense changes on protein structure and function are either unavailable or do not agree on the potential impact of this missense change (SIFT: "Deleterious"; PolyPhen-2: "Benign"; Align-GVGD: "Class C55"). This variant has not been reported in the literature in individuals with CACNA1H-related disease. This variant is present in population databases (rs558718048, ExAC 0.02%). This sequence change replaces alanine with valine at codon 1570 of the CACNA1H protein (p.Ala1570Val). The alanine residue is highly conserved and there is a small physicochemical difference between alanine and valine.

NM_021098.3(CACNA1H):c.4709C>T (p.Ala1570Val)

Gene: CACNA1H (calcium voltage-gated channel subunit alpha1 H; plus strand). Cytogenetic location: 16p13.3.
Variant type: single nucleotide variant.
Coding change: c.4709C>T on transcript NM_021098.3 (MANE Select); coding-DNA position 4709, C replaced by T.
Protein change: p.Ala1570Val; replaces alanine 1570 with valine.
Molecular consequence: missense variant.
Genome position (GRCh38, 1-based): chr16:1,212,088, C>T. VCF-style: chr16-1212088-C-T. GRCh37 (hg19) VCF-style: chr16-1262088-C-T.
Other names: c.4709C>T, p.Ala1570Val (NM_001005407.2); short protein forms A1570V.
Identifiers: ClinVar variation 642595 (VCV000642595.13), dbSNP rs558718048, ClinGen allele CA7801493.